The following is an entry in ClinVar:

NM_213599.3(ANO5):c.*2674A>C

Gene: ANO5 (anoctamin 5; plus strand). Cytogenetic location: 11p14.3.
Variant type: single nucleotide variant.
Coding change: c.*2674A>C on transcript NM_213599.3 (MANE Select); 2674 bases downstream of the stop codon, A replaced by C.
Molecular consequence: 3 prime UTR variant.
Genome position (GRCh38, 1-based): chr11:22,282,439, A>C. VCF-style: chr11-22282439-A-C. GRCh37 (hg19) VCF-style: chr11-22303985-A-C.
Other names: c.*2674A>C (NM_001142649.2).
Identifiers: ClinVar variation 879746 (VCV000879746.5), dbSNP rs115846873, ClinGen allele CA218780954.

ClinVar aggregate classification (germline): Likely benign. Review status: criteria provided, multiple submitters, no conflicts (2 of 4 stars). 2 submissions from 2 submitters: Likely benign (2). Last evaluated 2021-05-19.

Conditions:
ANO5-Related Muscle Diseases. Identifiers: MedGen CN180644.

Allele frequency attached by ClinVar (database versions not stated): gnomAD 0.00947 and 0.01002; TOPMed 0.01047; 1000 Genomes Project 0.01418; 1000 Genomes Project 30x 0.01452.

Submissions (2):

GeneDx
Classification: Likely benign. Last evaluated: 2021-05-19. Review status: criteria provided, single submitter. Criteria: GeneDx Variant Classification Process June 2021. Collection method: clinical testing. Allele origin: germline. Affected: yes.

Illumina Laboratory Services, Illumina
Classification: Likely benign for ANO5-Related Muscle Diseases. Last evaluated: 2017-04-28. Review status: criteria provided, single submitter. Criteria: ICSL Variant Classification Criteria 13 December 2019. Collection method: clinical testing. Allele origin: germline.
Comment: This variant was observed as part of a predisposition screen in an ostensibly healthy population. A literature search was performed for the gene, cDNA change, and amino acid change (where applicable). No publications were found based on this search. Allele frequency data from public databases allowed determination this variant is unlikely to cause disease. Therefore, this variant is classified as likely benign.